The following is an entry in ClinVar:

NM_003742.4(ABCB11):c.1009T>C (p.Tyr337His)

Gene: ABCB11 (ATP binding cassette subfamily B member 11; minus strand). Cytogenetic location: 2q31.1.
Variant type: single nucleotide variant.
Coding change: c.1009T>C on transcript NM_003742.4 (MANE Select); coding-DNA position 1009, T replaced by C.
Protein change: p.Tyr337His; replaces tyrosine 337 with histidine.
Molecular consequence: missense variant.
Genome position (GRCh38, 1-based): chr2:168,986,184, A>G on the plus strand (T>C on the coding strand, the complement: ABCB11 is on the minus strand). VCF-style: chr2-168986184-A-G. GRCh37 (hg19) VCF-style: chr2-169842694-A-G.
Other names: short protein forms Y337H.
Identifiers: ClinVar variation 4292022 (VCV004292022.2).
Genomic context (GRCh38, chr2:168,986,184, plus strand): 5'-CTGGTGTATATTCTCCTTCATCCAGGACAAGTGTGGAGCCGTACCAGAAGGCCAGTGCAT[A>G]ACACAAAAAGATGAGACACCACACGAATCCAGTAAAGAATCCCATCACTATTCCTTTTCT-3'
Protein context (NP_003733.2, residues 327-347): GFVWCLIFLC[Tyr337His]ALAFWYGSTL

ClinVar aggregate classification (germline): Uncertain significance. Review status: criteria provided, multiple submitters, no conflicts (2 of 4 stars). 2 submissions from 2 submitters: Uncertain significance (2). Last evaluated 2026-04-14.

Conditions:
Progressive familial intrahepatic cholestasis type 2. Identifiers: Orphanet 79304, MedGen C3489789, MONDO:0011156, OMIM 601847.
Familial intrahepatic cholestasis. Identifiers: Orphanet 284385, MedGen CN296401, MONDO:0017290.

Submissions (2):

Genomenon, Inc
Classification: Uncertain significance for Familial intrahepatic cholestasis. Last evaluated: 2026-04-14. Review status: criteria provided, single submitter. Criteria: Genomenon Sequence Variant Interpretation Standards - Updated. Collection method: curation. Allele origin: germline. Affected: yes.
Comment: ABCB11 p.Tyr337His (c.1009T>C) is a missense variant that changes the amino acid at residue 337 from Tyrosine to Histidine. This variant has been observed in at least one proband with an ABCB11-related disorder (PMID:24969679). It is absent or not present at a significant frequency in gnomAD. In silico models predict that this variant is possibly or probably damaging. In conclusion, we classify ABCB11 p.Tyr337His (c.1009T>C) as a variant of uncertain significance.

3billion
Classification: Uncertain significance for Progressive familial intrahepatic cholestasis type 2. Last evaluated: 2024-10-22. Review status: criteria provided, single submitter. Criteria: ACMG Guidelines, 2015. Collection method: clinical testing. Allele origin: germline. Affected: yes.
Comment: The variant is not observed in the gnomAD v4.1.0 dataset. Predicted Consequence/Location: Missense variant In silico tool predictions suggest damaging effect of the variant on gene or gene product [REVEL: 0.92 (>=0.6, sensitivity 0.68 and specificity 0.92)]. The same nucleotide change resulting in the same amino acid change has been previously reported to be associated with ABCB11 related disorder (PMID: 24969679). However, the evidence of pathogenicity is insufficient at this time. Therefore, this variant is classified as VUS according to the recommendation of ACMG/AMP guideline.

Literature cited by the submitters: PubMed 24969679 (cited by Genomenon, Inc and 3billion).